The following is an entry in ClinVar:

NM_014000.3(VCL):c.1133C>A (p.Thr378Asn)

Gene: VCL (vinculin; plus strand). Cytogenetic location: 10q22.2.
Variant type: single nucleotide variant.
Coding change: c.1133C>A on transcript NM_014000.3 (MANE Select); coding-DNA position 1133, C replaced by A.
Protein change: p.Thr378Asn; replaces threonine 378 with asparagine.
Molecular consequence: missense variant.
Genome position (GRCh38, 1-based): chr10:74,089,306, C>A. VCF-style: chr10-74089306-C-A. GRCh37 (hg19) VCF-style: chr10-75849064-C-A.
Other names: c.1133C>A, p.Thr378Asn (NM_003373.4); short protein forms T378N.
Identifiers: ClinVar variation 3979528 (VCV003979528.1).

ClinVar aggregate classification (germline): Uncertain significance (1 of 4 stars; one submission).

Conditions:
Cardiovascular phenotype. Identifiers: MedGen CN230736.

Submission:

Ambry Genetics
Classification: Uncertain significance for Cardiovascular phenotype. Last evaluated: 2025-04-14. Review status: criteria provided, single submitter. Criteria: Ambry Variant Classification Scheme 2023. Collection method: clinical testing. Allele origin: germline.
Comment: The p.T378N variant (also known as c.1133C>A), located in coding exon 9 of the VCL gene, results from a C to A substitution at nucleotide position 1133. The threonine at codon 378 is replaced by asparagine, an amino acid with similar properties. This amino acid position is conserved. In addition, this alteration is predicted to be tolerated by in silico analysis. Based on the available evidence, the clinical significance of this variant remains unclear.